The following is an entry in ClinVar:

NM_004525.3(LRP2):c.2951G>A (p.Cys984Tyr)

Gene: LRP2 (LDL receptor related protein 2; minus strand). Cytogenetic location: 2q31.1.
Variant type: single nucleotide variant.
Coding change: c.2951G>A on transcript NM_004525.3 (MANE Select); coding-DNA position 2951, G replaced by A.
Protein change: p.Cys984Tyr; replaces cysteine 984 with tyrosine.
Molecular consequence: missense variant.
Genome position (GRCh38, 1-based): chr2:169,246,944, C>T on the plus strand (G>A on the coding strand, the complement: LRP2 is on the minus strand). VCF-style: chr2-169246944-C-T. GRCh37 (hg19) VCF-style: chr2-170103454-C-T.
Other names: short protein forms C984Y.
Identifiers: ClinVar variation 2001706 (VCV002001706.1), dbSNP rs1574177116, ClinGen allele CA349153634.

ClinVar aggregate classification (germline): Uncertain significance (1 of 4 stars; one submission).

Submission:

Labcorp Genetics (formerly Invitae), Labcorp
Classification: Uncertain significance. Last evaluated: 2022-07-31. Review status: criteria provided, single submitter. Criteria: Invitae Variant Classification Sherloc (09022015). Collection method: clinical testing. Allele origin: germline.
Comment: This sequence change replaces cysteine, which is neutral and slightly polar, with tyrosine, which is neutral and polar, at codon 984 of the LRP2 protein (p.Cys984Tyr). This variant is not present in population databases (gnomAD no frequency). This variant has not been reported in the literature in individuals affected with LRP2-related conditions. Algorithms developed to predict the effect of missense changes on protein structure and function (SIFT, PolyPhen-2, Align-GVGD) all suggest that this variant is likely to be disruptive. In summary, the available evidence is currently insufficient to determine the role of this variant in disease. Therefore, it has been classified as a Variant of Uncertain Significance.